The following is an entry in ClinVar:

NM_000548.5(TSC2):c.3542C>A (p.Thr1181Lys)

Gene: TSC2 (TSC complex subunit 2; plus strand). Cytogenetic location: 16p13.3.
Variant type: single nucleotide variant.
Coding change: c.3542C>A on transcript NM_000548.5 (MANE Select); coding-DNA position 3542, C replaced by A.
Protein change: p.Thr1181Lys; replaces threonine 1181 with lysine.
Molecular consequence: missense variant.
Genome position (GRCh38, 1-based): chr16:2,080,309, C>A. VCF-style: chr16-2080309-C-A. GRCh37 (hg19) VCF-style: chr16-2130310-C-A.
Other names: c.3410C>A, p.Thr1137Lys (NM_001077183.3, NM_001370404.1); c.3542C>A, p.Thr1181Lys (NM_001114382.3); c.3302C>A, p.Thr1101Lys (NM_001318827.2); c.3266C>A, p.Thr1089Lys (NM_001318829.2); c.2810C>A, p.Thr937Lys (NM_001318831.2); c.3443C>A, p.Thr1148Lys (NM_001318832.2); c.3413C>A, p.Thr1138Lys (NM_001363528.2, NM_001370405.1, NM_021055.3); short protein forms T1089K, T1101K, T1137K, T1138K, T1148K, T1181K, T937K.
Identifiers: ClinVar variation 997565 (VCV000997565.9), dbSNP rs373481458, ClinGen allele CA394289475.
Genomic context (GRCh38, chr16:2,080,309, plus strand): 5'-CACCAGCCGCGAAACCTGAGAAGGCCTCAGCTGGCACCCGGGTTCCTGTGCAGGAGAAGA[C>A]GAACCTGGCGGCCTATGTGCCCCTGCTGACCCAGGGCTGGGCGGAGATCCTGGTCCGGAG-3'
Protein context (NP_000539.2, residues 1171-1191): AGTRVPVQEK[Thr1181Lys]NLAAYVPLLT

ClinVar aggregate classification (germline): Uncertain significance. Review status: criteria provided, multiple submitters, no conflicts (2 of 4 stars). 2 submissions from 2 submitters: Uncertain significance (2). Last evaluated 2021-04-28.

Conditions:
Tuberous sclerosis 2 (TSC2). Identifiers: Orphanet 805, MedGen C1860707, MONDO:0013199, OMIM 613254.

Submissions (2):

Labcorp Genetics (formerly Invitae), Labcorp
Classification: Uncertain significance for Tuberous sclerosis 2. Last evaluated: 2021-04-28. Review status: criteria provided, single submitter. Criteria: Invitae Variant Classification Sherloc (09022015). Collection method: clinical testing. Allele origin: germline.
Comment: This variant has not been reported in the literature in individuals with TSC2-related conditions. ClinVar contains an entry for this variant (Variation ID: 997565). This variant is not present in population databases (ExAC no frequency). This sequence change replaces threonine with lysine at codon 1181 of the TSC2 protein (p.Thr1181Lys). The threonine residue is weakly conserved and there is a moderate physicochemical difference between threonine and lysine. Advanced modeling of protein sequence and biophysical properties (such as structural, functional, and spatial information, amino acid conservation, physicochemical variation, residue mobility, and thermodynamic stability) performed at Invitae indicates that this missense variant is not expected to disrupt TSC2 protein function. In summary, the available evidence is currently insufficient to determine the role of this variant in disease. Therefore, it has been classified as a Variant of Uncertain Significance.

Baylor Genetics
Classification: Uncertain significance for Tuberous sclerosis 2. Last evaluated: 2020-05-21. Review status: criteria provided, single submitter. Criteria: ACMG Guidelines, 2015. Collection method: clinical testing. Allele origin: maternal. Affected: yes. Study: CSER-TexasKidsCanSeq.
Comment: This variant was determined to be of uncertain significance according to ACMG Guidelines, 2015 [PMID:25741868].